The following is an entry in ClinVar:

NM_201378.4(PLEC):c.71-12357C>T

Gene: PLEC (plectin; minus strand). Cytogenetic location: 8q24.3.
Variant type: single nucleotide variant.
Coding change: c.71-12357C>T on transcript NM_201378.4 (MANE Plus Clinical); 12357 bases into the intron before coding-DNA position 71, C replaced by T.
Molecular consequence: intron variant.
Genome position (GRCh38, 1-based): chr8:143,951,049, G>A on the plus strand (C>T on the coding strand, the complement: PLEC is on the minus strand). VCF-style: chr8-143951049-G-A. GRCh37 (hg19) VCF-style: chr8-145025217-G-A.
Other names: c.194-12357C>T (NM_001410941.1, NM_000445.5); c.46+2677C>T (NM_201379.3).
Identifiers: ClinVar variation 673660 (VCV000673660.3), dbSNP rs181468246, ClinGen allele CA187628665.

ClinVar aggregate classification (germline): Likely benign (1 of 4 stars; one submission).

Allele frequency attached by ClinVar (database versions not stated): gnomAD 0.00451 and 0.00482; 1000 Genomes Project 30x 0.00453; 1000 Genomes Project 0.00379; TOPMed 0.00503.
gnomAD v4.1: 682 of 152,320 alleles (0.45%); highest among the groups gnomAD compares: African/African-American, 1.2%; 4 homozygotes.

Submission:

GeneDx
Classification: Likely benign. Last evaluated: 2018-06-16. Review status: criteria provided, single submitter. Criteria: GeneDx Variant Classification (06012015). Collection method: clinical testing. Allele origin: germline. Affected: yes.
Comment: This variant is considered likely benign or benign based on one or more of the following criteria: it is a conservative change, it occurs at a poorly conserved position in the protein, it is predicted to be benign by multiple in silico algorithms, and/or has population frequency not consistent with disease.